The following is an entry in ClinVar:

NM_001124758.3(SPNS2):c.1058G>C (p.Cys353Ser)

Gene: SPNS2 (SPNS lysolipid transporter 2, sphingosine-1-phosphate; plus strand). Cytogenetic location: 17p13.2.
Variant type: single nucleotide variant.
Coding change: c.1058G>C on transcript NM_001124758.3 (MANE Select); coding-DNA position 1058, G replaced by C.
Protein change: p.Cys353Ser; replaces cysteine 353 with serine.
Molecular consequence: missense variant.
Genome position (GRCh38, 1-based): chr17:4,533,099, G>C. VCF-style: chr17-4533099-G-C. GRCh37 (hg19) VCF-style: chr17-4436394-G-C.
Other names: c.1058G>C (NM_001124758.2); short protein forms C353S.
Identifiers: ClinVar variation 2357879 (VCV002357879.4), dbSNP rs200317055, ClinGen allele CA8303132.

ClinVar aggregate classification (germline): Uncertain significance. Review status: criteria provided, multiple submitters, no conflicts (2 of 4 stars). 2 submissions from 2 submitters: Uncertain significance (2). Last evaluated 2026-06-16.

Conditions:
SPNS2-related disorder. Also called: SPNS2-related condition.

Allele frequency attached by ClinVar (database versions not stated): 1000 Genomes Project 30x 0.00016; ExAC 0.00025; ESP Exome Variant Server 0.00029; TOPMed 0.00029; gnomAD 0.00042.

Submissions (2):

PreventionGenetics, part of Exact Sciences
Classification: Uncertain significance for SPNS2-related condition. Last evaluated: 2026-06-16. Review status: criteria provided, single submitter. Criteria: ACMG Guidelines, 2015. Collection method: clinical testing. Allele origin: germline.
Comment: The SPNS2 c.1058G>C variant is predicted to result in the amino acid substitution p.Cys353Ser. To our knowledge, this variant has not been reported in the literature. This variant is reported in 0.053% of alleles in individuals of European (Non-Finnish) descent in gnomAD, which may be too frequent to be a primary cause of disease. Although we suspect that this variant may be benign, at this time, the clinical significance of this variant is uncertain due to the absence of conclusive functional and genetic evidence.

Ambry Genetics
Classification: Uncertain significance. Last evaluated: 2024-10-20. Review status: criteria provided, single submitter. Criteria: Ambry Variant Classification Scheme 2023. Collection method: clinical testing. Allele origin: germline.